The following is an entry in ClinVar:

ClinVar aggregate classification (germline): Conflicting classifications of pathogenicity. Review status: criteria provided, conflicting classifications (1 of 4 stars). 3 submissions from 3 submitters: Likely pathogenic (1); Uncertain significance (2). Last evaluated 2025-07-17.

Conditions:
Very long chain acyl-CoA dehydrogenase deficiency (ACADVLD). Also called: VLCAD Deficiency; Very Long-Chain Acyl-Coenzyme A Dehydrogenase Deficiency. Identifiers: Orphanet 26793, MedGen C3887523, MONDO:0008723, OMIM 201475.

Allele frequency attached by ClinVar (database versions not stated): gnomAD exomes 0.00001; ExAC 0.00002; gnomAD 0.00003 and 0.00004; TOPMed 0.00003.
gnomAD v4.1: 10 of 1,613,870 alleles (0.00062%); highest among the groups gnomAD compares: African/African-American, 0.011%; no homozygotes.

Submissions (3):

Labcorp Genetics (formerly Invitae), Labcorp
Classification: Likely pathogenic for Very long chain acyl-CoA dehydrogenase deficiency. Last evaluated: 2025-07-17. Review status: criteria provided, single submitter. Criteria: Invitae Variant Classification Sherloc (09022015). Collection method: clinical testing. Allele origin: germline.
Comment: This sequence change replaces glycine, which is neutral and non-polar, with glutamic acid, which is acidic and polar, at codon 289 of the ACADVL protein (p.Gly289Glu). This variant is present in population databases (rs778514103, gnomAD 0.02%). This variant has not been reported in the literature in individuals affected with ACADVL-related conditions. ClinVar contains an entry for this variant (Variation ID: 198980). Invitae Evidence Modeling of protein sequence and biophysical properties (such as structural, functional, and spatial information, amino acid conservation, physicochemical variation, residue mobility, and thermodynamic stability) indicates that this missense variant is not expected to disrupt ACADVL protein function with a negative predictive value of 80%. This variant disrupts the p.Gly289 amino acid residue in ACADVL. Other variant(s) that disrupt this residue have been determined to be pathogenic (PMID: 27209629, 27246109). This suggests that this residue is clinically significant, and that variants that disrupt this residue are likely to be disease-causing. In summary, the currently available evidence indicates that the variant is pathogenic, but additional data are needed to prove that conclusively. Therefore, this variant has been classified as Likely Pathogenic.

Wong Mito Lab, Molecular and Human Genetics, Baylor College of Medicine
Classification: Uncertain significance for Very long chain acyl-CoA dehydrogenase deficiency. Last evaluated: 2019-11-01. Review status: criteria provided, single submitter. Criteria: ACMG Guidelines, 2015. Collection method: clinical testing. Allele origin: germline.
Comment: The NM_000018.3:c.866G>A (NP_000009.1:p.Gly289Glu) [GRCH38: NC_000017.11:g.7222290G>A] variant in ACADVL gene is interpretated to be Uncertain Significance based on ACMG guidelines (PMID: 25741868). This variant has been reported. This variant dose not meet any evidence codes reported in the ACMG guidelines.

Eurofins Ntd Llc (ga)
Classification: Uncertain significance. Last evaluated: 2014-12-15. Review status: criteria provided, single submitter. Criteria: EGL Classification Definitions 2015. Collection method: clinical testing. Allele origin: germline. Observed: 1 variant allele, 1 heterozygote.

Literature cited by the submitters: PubMed 27209629 (cited by Labcorp Genetics (formerly Invitae), Labcorp); PubMed 27246109 (cited by Labcorp Genetics (formerly Invitae), Labcorp).

NM_000018.4(ACADVL):c.866G>A (p.Gly289Glu)

Gene: ACADVL (acyl-CoA dehydrogenase very long chain; plus strand). Cytogenetic location: 17p13.1.
Variant type: single nucleotide variant.
Coding change: c.866G>A on transcript NM_000018.4 (MANE Select); coding-DNA position 866, G replaced by A.
Protein change: p.Gly289Glu; replaces glycine 289 with glutamic acid.
Molecular consequence: missense variant.
Genome position (GRCh38, 1-based): chr17:7,222,290, G>A. VCF-style: chr17-7222290-G-A. GRCh37 (hg19) VCF-style: chr17-7125609-G-A.
Other names: c.800G>A, p.Gly267Glu (NM_001033859.3); c.935G>A, p.Gly312Glu (NM_001270447.2); c.638G>A, p.Gly213Glu (NM_001270448.2); short protein forms G289E, G213E, G267E, G312E.
Identifiers: ClinVar variation 198980 (VCV000198980.12), dbSNP rs778514103, ClinGen allele CA247926.